The following is an entry in ClinVar:

ClinVar aggregate classification (germline): Uncertain significance. Review status: criteria provided, multiple submitters, no conflicts (2 of 4 stars). 2 submissions from 2 submitters: Uncertain significance (2). Last evaluated 2025-03-25.

Conditions:
Inborn genetic diseases. Identifiers: MedGen C0950123, MeSH D030342.

Allele frequency attached by ClinVar (database versions not stated): ExAC 0.00002; TOPMed 0.00005; gnomAD exomes 0.00006; ESP Exome Variant Server 0.00016.
gnomAD v4.1: 88 of 1,613,600 alleles (0.0055%); highest among the groups gnomAD compares: Non-Finnish European, 0.0071%; no homozygotes.

Submissions (2):

Ambry Genetics
Classification: Uncertain significance for Inborn genetic diseases. Last evaluated: 2025-03-25. Review status: criteria provided, single submitter. Criteria: Ambry Variant Classification Scheme 2023. Collection method: clinical testing. Allele origin: germline.

Labcorp Genetics (formerly Invitae), Labcorp
Classification: Uncertain significance. Last evaluated: 2022-05-17. Review status: criteria provided, single submitter. Criteria: Invitae Variant Classification Sherloc (09022015). Collection method: clinical testing. Allele origin: germline.
Comment: This sequence change replaces aspartic acid, which is acidic and polar, with asparagine, which is neutral and polar, at codon 193 of the DOCK6 protein (p.Asp193Asn). This variant is present in population databases (rs376784362, gnomAD 0.01%). This variant has not been reported in the literature in individuals affected with DOCK6-related conditions. Algorithms developed to predict the effect of missense changes on protein structure and function (SIFT, PolyPhen-2, Align-GVGD) all suggest that this variant is likely to be tolerated. In summary, the available evidence is currently insufficient to determine the role of this variant in disease. Therefore, it has been classified as a Variant of Uncertain Significance.

NM_020812.4(DOCK6):c.577G>A (p.Asp193Asn)

Gene: DOCK6 (dedicator of cytokinesis 6; minus strand). Cytogenetic location: 19p13.2.
Variant type: single nucleotide variant.
Coding change: c.577G>A on transcript NM_020812.4 (MANE Select); coding-DNA position 577, G replaced by A.
Protein change: p.Asp193Asn; replaces aspartic acid 193 with asparagine.
Molecular consequence: missense variant.
Genome position (GRCh38, 1-based): chr19:11,251,017, C>T on the plus strand (G>A on the coding strand, the complement: DOCK6 is on the minus strand). VCF-style: chr19-11251017-C-T. GRCh37 (hg19) VCF-style: chr19-11361693-C-T.
Other names: c.577G>A, p.Asp193Asn (NM_001367830.1); c.577G>A (NM_020812.2); short protein forms D193N.
Identifiers: ClinVar variation 2427981 (VCV002427981.4), dbSNP rs376784362, ClinGen allele CA9208436.